The following is an entry in ClinVar:

ClinVar aggregate classification (germline): Uncertain significance (1 of 4 stars; one submission).

Submission:

Labcorp Genetics (formerly Invitae), Labcorp
Classification: Uncertain significance. Last evaluated: 2025-01-06. Review status: criteria provided, single submitter. Criteria: Invitae Variant Classification Sherloc (09022015). Collection method: clinical testing. Allele origin: germline.
Comment: This sequence change replaces proline, which is neutral and non-polar, with alanine, which is neutral and non-polar, at codon 1007 of the MYO18B protein (p.Pro1007Ala). This variant is not present in population databases (gnomAD no frequency). This variant has not been reported in the literature in individuals affected with MYO18B-related conditions. ClinVar contains an entry for this variant (Variation ID: 1525744). An algorithm developed to predict the effect of missense changes on protein structure and function (PolyPhen-2) suggests that this variant is likely to be disruptive. In summary, the available evidence is currently insufficient to determine the role of this variant in disease. Therefore, it has been classified as a Variant of Uncertain Significance.

NM_032608.7(MYO18B):c.3019C>G (p.Pro1007Ala)

Gene: MYO18B (myosin XVIIIB; plus strand). Cytogenetic location: 22q12.1.
Variant type: single nucleotide variant.
Coding change: c.3019C>G on transcript NM_032608.7 (MANE Select); coding-DNA position 3019, C replaced by G.
Protein change: p.Pro1007Ala; replaces proline 1007 with alanine.
Molecular consequence: missense variant.
Genome position (GRCh38, 1-based): chr22:25,832,956, C>G. VCF-style: chr22-25832956-C-G. GRCh37 (hg19) VCF-style: chr22-26228923-C-G.
Other names: c.3019C>G, p.Pro1007Ala (NM_001318245.2); short protein forms P1007A.
Identifiers: ClinVar variation 1525744 (VCV001525744.8), dbSNP rs1451151732, ClinGen allele CA411001599.
Genomic context (GRCh38, chr22:25,832,956, plus strand): 5'-TTAAATCCTGTTATTTTCCAGGAAGGTGTTCCTGTGCAGTTTGACCTCCCGGACCCCTCC[C>G]CAGGGACCACCGTGGCTGTTGTGGATCAAAATCCCTCTCAGGTAACACAGGGCCCAGCCA-3'
Protein context (NP_115997.5, residues 997-1017): PVQFDLPDPS[Pro1007Ala]GTTVAVVDQN